The following is an entry in ClinVar:

NM_144997.7(FLCN):c.159G>T (p.Gln53His)

Gene: FLCN (folliculin; minus strand). Cytogenetic location: 17p11.2.
Variant type: single nucleotide variant.
Coding change: c.159G>T on transcript NM_144997.7 (MANE Select); coding-DNA position 159, G replaced by T.
Protein change: p.Gln53His; replaces glutamine 53 with histidine.
Molecular consequence: missense variant.
Genome position (GRCh38, 1-based): chr17:17,227,979, C>A on the plus strand (G>T on the coding strand, the complement: FLCN is on the minus strand). VCF-style: chr17-17227979-C-A. GRCh37 (hg19) VCF-style: chr17-17131293-C-A.
Other names: c.159G>T, p.Gln53His (NM_001353229.2, NM_001353230.2, NM_001353231.2 and 1 more transcripts); short protein forms Q53H.
Identifiers: ClinVar variation 1364697 (VCV001364697.10), dbSNP rs2145044175, ClinGen allele CA398535201.
Genomic context (GRCh38, chr17:17,227,979, plus strand): 5'-GCTGCTGGACTCGACGCTGGCCCCCTCTGCGGGGCTGTGCGCACGCATCCGACTGTTCAT[C>A]TGAATGCCACCTTCCTCTTCTTCCGCCTGCTCACCCTGGCCAGGACTGTCCTCATTCCCA-3'
Protein context (NP_659434.2, residues 43-63): EQAEEEEGGI[Gln53His]MNSRMRAHSP

ClinVar aggregate classification (germline): Uncertain significance. Review status: criteria provided, multiple submitters, no conflicts (2 of 4 stars). 3 submissions from 3 submitters: Uncertain significance (3). Last evaluated 2025-09-16.

Conditions:
Hereditary cancer-predisposing syndrome. Also called: Hereditary neoplastic syndrome; Hereditary Cancer Syndrome; Neoplastic Syndromes, Hereditary; Tumor predisposition. Identifiers: Orphanet 140162, MedGen C0027672, MeSH D009386, MONDO:0015356.
Birt-Hogg-Dube syndrome. Also called: Birt Hogg Dubé syndrome. Identifiers: Orphanet 122, MedGen C0346010, MONDO:0800444.
Nonpapillary renal cell carcinoma. Identifiers: Orphanet 422526, MedGen CN074294, MONDO:0007763, OMIM 144700.
Familial spontaneous pneumothorax (PSP). Identifiers: Orphanet 2903, MedGen C1868193, MONDO:0008259, OMIM 173600.
Colorectal cancer. Also called: Malignant Colorectal Neoplasm; Colorectal cancer, somatic. Identifiers: MedGen C0346629, MONDO:0005575, OMIM 114500.
Birt-Hogg-Dube syndrome 1 (BHD1). Also called: FIBROFOLLICULOMAS WITH TRICHODISCOMAS AND ACROCHORDONS. Identifiers: Orphanet 122, MedGen CN375946, MONDO:0800445, OMIM 135150.

Allele frequency attached by ClinVar (database versions not stated): gnomAD exomes below 0.00001.
gnomAD v4.1: 1 of 1,614,170 alleles (0.000062%); highest among the groups gnomAD compares: Admixed American, 0.0017%; no homozygotes.

Submissions (3):

Labcorp Genetics (formerly Invitae), Labcorp
Classification: Uncertain significance for Birt-Hogg-Dube syndrome. Last evaluated: 2025-09-16. Review status: criteria provided, single submitter. Criteria: Invitae Variant Classification Sherloc (09022015). Collection method: clinical testing. Allele origin: germline.
Comment: This sequence change replaces glutamine, which is neutral and polar, with histidine, which is basic and polar, at codon 53 of the FLCN protein (p.Gln53His). This variant is not present in population databases (gnomAD no frequency). This variant has not been reported in the literature in individuals affected with FLCN-related conditions. ClinVar contains an entry for this variant (Variation ID: 1364697). An algorithm developed to predict the effect of missense changes on protein structure and function (PolyPhen-2) suggests that this variant is likely to be tolerated. In summary, the available evidence is currently insufficient to determine the role of this variant in disease. Therefore, it has been classified as a Variant of Uncertain Significance.

Fulgent Genetics
Classification: Uncertain significance for Colorectal cancer; Birt-Hogg-Dube syndrome 1; Nonpapillary renal cell carcinoma; Familial spontaneous pneumothorax. Last evaluated: 2024-04-23. Review status: criteria provided, single submitter. Criteria: ACMG Guidelines, 2015. Collection method: clinical testing. Allele origin: germline.

Ambry Genetics
Classification: Uncertain significance for Hereditary cancer-predisposing syndrome. Last evaluated: 2023-09-13. Review status: criteria provided, single submitter. Criteria: Ambry Variant Classification Scheme 2023. Collection method: clinical testing. Allele origin: germline.
Comment: The p.Q53H variant (also known as c.159G>T), located in coding exon 1 of the FLCN gene, results from a G to T substitution at nucleotide position 159. The glutamine at codon 53 is replaced by histidine, an amino acid with highly similar properties. This amino acid position is highly conserved in available vertebrate species. In addition, the in silico prediction for this alteration is inconclusive. Since supporting evidence is limited at this time, the clinical significance of this alteration remains unclear.